The following is an entry in ClinVar:

ClinVar aggregate classification (germline): Benign/Likely benign. Review status: criteria provided, multiple submitters, no conflicts (2 of 4 stars). 3 submissions from 3 submitters: Benign (2); Likely benign (1). Last evaluated 2026-01-11.

Conditions:
Craniosynostosis 7 (CRS7). Also called: CRANIOSYNOSTOSIS 7, DIGENIC; CRS7, DIGENIC. Identifiers: MedGen C4479496, MONDO:0044315, OMIM 617439.
Aortic valve disease 2 (AOVD2). Identifiers: MedGen C3542024, MONDO:0013902, OMIM 614823.

Submissions (3):

Labcorp Genetics (formerly Invitae), Labcorp
Classification: Benign for Aortic valve disease 2. Last evaluated: 2026-01-11. Review status: criteria provided, single submitter. Criteria: Invitae Variant Classification Sherloc (09022015). Collection method: clinical testing. Allele origin: germline.

Women's Health and Genetics/Laboratory Corporation of America, LabCorp
Classification: Benign. Last evaluated: 2023-10-09. Review status: criteria provided, single submitter. Criteria: LabCorp Variant Classification Summary - May 2015. Collection method: clinical testing. Allele origin: germline.
Comment: Variant summary: SMAD6 c.952+13delT alters a non-conserved nucleotide located at a position not widely known to affect splicing. Consensus agreement among computation tools predict no significant impact on normal splicing. However, these predictions have yet to be confirmed by functional studies. The variant allele was found at a frequency of 0.00015 in 251480 control chromosomes, predominantly at a frequency of 0.00028 within the Non-Finnish European subpopulation in the gnomAD database. The observed variant frequency within Non-Finnish European control individuals in the gnomAD database is approximately 9 fold of the estimated maximal expected allele frequency for a pathogenic variant in SMAD6 causing Aortic Valve Disease phenotype (3.1e-05), strongly suggesting that the variant is a benign polymorphism found primarily in populations of Non-Finnish European origin. To our knowledge, no occurrence of c.952+13delT in individuals affected with Aortic Valve Disease and no experimental evidence demonstrating its impact on protein function have been reported. Two submitters have cited clinical-significance assessments for this variant to ClinVar after 2014. All submitters classified the variant as benign/likely benign. Based on the evidence outlined above, the variant was classified as benign.

Fulgent Genetics
Classification: Likely benign for Aortic valve disease 2; Craniosynostosis 7. Last evaluated: 2022-03-11. Review status: criteria provided, single submitter. Criteria: ACMG Guidelines, 2015. Collection method: clinical testing. Allele origin: unknown.

NM_005585.5(SMAD6):c.952+13del

Gene: SMAD6 (SMAD family member 6; plus strand). Cytogenetic location: 15q22.31.
Variant type: Deletion.
Coding change: c.952+13del on transcript NM_005585.5 (MANE Select); 13 bases into the intron after coding-DNA position 952, one base deleted (T; older notation c.952+13delT).
Molecular consequence: intron variant.
Genome position (GRCh38, 1-based): chr15:66,716,511, T deleted; the last of 6 consecutive T bases (chr15:66,716,506-66,716,511); deleting any one gives the same sequence. VCF-style (leftmost placement, unchanged base first): chr15-66716505-AT-A. GRCh37 (hg19) VCF-style: chr15-67008843-AT-A.
Other names: c.952+13delT (NM_005585.5).
Identifiers: ClinVar variation 1625473 (VCV001625473.10), dbSNP rs761315842, ClinGen allele CA7626655.